The following is an entry in ClinVar:

NM_004085.4(TIMM8A):c.199G>A (p.Val67Ile)

Gene: TIMM8A (translocase of inner mitochondrial membrane 8A; minus strand). Cytogenetic location: Xq22.1.
Variant type: single nucleotide variant.
Coding change: c.199G>A on transcript NM_004085.4 (MANE Select); coding-DNA position 199, G replaced by A.
Protein change: p.Val67Ile; replaces valine 67 with isoleucine.
Molecular consequence: missense variant. On other transcripts: 3 prime UTR variant (1).
Genome position (GRCh38, 1-based): chrX:101,346,594, C>T on the plus strand (G>A on the coding strand, the complement: TIMM8A is on the minus strand). VCF-style: chrX-101346594-C-T. GRCh37 (hg19) VCF-style: chrX-100601582-C-T.
Other names: c.*1793G>A (NM_001145951.2); short protein forms V67I.
Identifiers: ClinVar variation 1178826 (VCV001178826.8), dbSNP rs1054895, ClinGen allele CA10472894.

ClinVar aggregate classification (germline): Conflicting classifications of pathogenicity. Review status: criteria provided, conflicting classifications (1 of 4 stars). 2 submissions from 2 submitters: Uncertain significance (1); Likely benign (1). Last evaluated 2025-12-21.

Allele frequency attached by ClinVar (database versions not stated): ExAC 0.00001; gnomAD 0.00001; gnomAD exomes 0.00001 and 0.00002; TOPMed 0.00001.
gnomAD v4.1: 7 of 1,210,333 alleles (0.00058%); highest among the groups gnomAD compares: Admixed American, 0.0044%; no homozygotes.

Submissions (2):

Labcorp Genetics (formerly Invitae), Labcorp
Classification: Uncertain significance. Last evaluated: 2025-12-21. Review status: criteria provided, single submitter. Criteria: Invitae Variant Classification Sherloc (09022015). Collection method: clinical testing. Allele origin: germline.
Comment: This sequence change replaces valine, which is neutral and non-polar, with isoleucine, which is neutral and non-polar, at codon 67 of the TIMM8A protein (p.Val67Ile). This variant is present in population databases (rs782529395, gnomAD 0.005%), including at least one homozygous and/or hemizygous individual. This variant has not been reported in the literature in individuals affected with TIMM8A-related conditions. ClinVar contains an entry for this variant (Variation ID: 1178826). An algorithm developed to predict the effect of missense changes on protein structure and function (PolyPhen-2) suggests that this variant is likely to be tolerated. In summary, the available evidence is currently insufficient to determine the role of this variant in disease. Therefore, it has been classified as a Variant of Uncertain Significance.

GeneDx
Classification: Likely benign. Last evaluated: 2018-12-06. Review status: criteria provided, single submitter. Criteria: GeneDx Variant Classification Process June 2021. Collection method: clinical testing. Allele origin: germline. Affected: yes.